The following is an entry in ClinVar:

NM_000093.5(COL5A1):c.4231-10C>A

Gene: COL5A1 (collagen type V alpha 1 chain; plus strand). Cytogenetic location: 9q34.3.
Variant type: single nucleotide variant.
Coding change: c.4231-10C>A on transcript NM_000093.5 (MANE Select); 10 bases into the intron before coding-DNA position 4231, C replaced by A.
Molecular consequence: intron variant.
Genome position (GRCh38, 1-based): chr9:134,818,646, C>A. VCF-style: chr9-134818646-C-A. GRCh37 (hg19) VCF-style: chr9-137710492-C-A.
Other names: c.4231-10C>A (NM_001278074.1).
Identifiers: ClinVar variation 4725568 (VCV004725568.1).
Genomic context (GRCh38, chr9:134,818,646, plus strand): 5'-CAGTGGTCCTGGGCCAGGGTGCCTGGAGCCTAGAGCTCCGGACCTCATTCTGCCCTCCGC[C>A]GTCCTGCAGGGAGAAGCCGGCTTGGAAGGCCCTCCTGGGAAGACTGGCCCCATCGGCCCC-3'

ClinVar aggregate classification (germline): Uncertain significance (1 of 4 stars; one submission).

Conditions:
Ehlers-Danlos syndrome, classic type, 1 (EDSCL1). Also called: EHLERS-DANLOS SYNDROME, GRAVIS TYPE; EHLERS-DANLOS SYNDROME, SEVERE CLASSIC TYPE; Ehlers-Danlos syndrome, type 1; Ehlers-Danlos Syndrome, Classic Type, COL5A1-Related; EDS I. Identifiers: MedGen C0268335, MONDO:0019567, OMIM 130000.

Submission:

Labcorp Genetics (formerly Invitae), Labcorp
Classification: Uncertain significance for Ehlers-Danlos syndrome, classic type, 1. Last evaluated: 2025-08-17. Review status: criteria provided, single submitter. Criteria: Invitae Variant Classification Sherloc (09022015). Collection method: clinical testing. Allele origin: germline.
Comment: This sequence change falls in intron 54 of the COL5A1 gene. It does not directly change the encoded amino acid sequence of the COL5A1 protein. This variant is not present in population databases (gnomAD no frequency). This variant has not been reported in the literature in individuals affected with COL5A1-related conditions. Algorithms developed to predict the effect of sequence changes on RNA splicing suggest that this variant may disrupt the consensus splice site. In summary, the available evidence is currently insufficient to determine the role of this variant in disease. Therefore, it has been classified as a Variant of Uncertain Significance.